The following is an entry in ClinVar:

NM_001277115.2(DNAH11):c.11053G>T (p.Glu3685Ter)

Gene: DNAH11 (dynein axonemal heavy chain 11; plus strand). Cytogenetic location: 7p15.3.
Variant type: single nucleotide variant.
Coding change: c.11053G>T on transcript NM_001277115.2 (MANE Select); coding-DNA position 11053, G replaced by T.
Protein change: p.Glu3685Ter; replaces glutamic acid 3685 with a stop codon.
Molecular consequence: nonsense.
Genome position (GRCh38, 1-based): chr7:21,852,623, G>T. VCF-style: chr7-21852623-G-T. GRCh37 (hg19) VCF-style: chr7-21892241-G-T.
Other names: c.11074G>T, p.Glu3692Ter (NM_003777.3); short protein forms E3692*, E3685*.
Identifiers: ClinVar variation 2760886 (VCV002760886.3), dbSNP rs2535464638, ClinGen allele CA366959410.

ClinVar aggregate classification (germline): Pathogenic (1 of 4 stars; one submission).

Conditions:
Primary ciliary dyskinesia. Also called: Ciliary dyskinesia. Identifiers: Orphanet 244, MedGen C0008780, MONDO:0016575, HP:0012265.

Submission:

Labcorp Genetics (formerly Invitae), Labcorp
Classification: Pathogenic for Primary ciliary dyskinesia. Last evaluated: 2023-09-15. Review status: criteria provided, single submitter. Criteria: Invitae Variant Classification Sherloc (09022015). Collection method: clinical testing. Allele origin: germline.
Comment: This sequence change creates a premature translational stop signal (p.Glu3685*) in the DNAH11 gene. It is expected to result in an absent or disrupted protein product. Loss-of-function variants in DNAH11 are known to be pathogenic (PMID: 18022865, 20513915, 22184204). This variant is not present in population databases (gnomAD no frequency). This variant has not been reported in the literature in individuals affected with DNAH11-related conditions. For these reasons, this variant has been classified as Pathogenic.

Literature cited by the submitters: PubMed 18022865; PubMed 20513915; PubMed 22184204.